The following is an entry in ClinVar:

ClinVar aggregate classification (germline): Uncertain significance (1 of 4 stars; one submission).

Submission:

GeneDx
Classification: Uncertain significance. Last evaluated: 2023-05-23. Review status: criteria provided, single submitter. Criteria: GeneDx Variant Classification Process June 2021. Collection method: clinical testing. Allele origin: germline. Affected: yes.
Comment: Not observed at significant frequency in large population cohorts (gnomAD); In silico analysis supports that this missense variant has a deleterious effect on protein structure/function; Has not been previously published as pathogenic or benign to our knowledge

NM_006421.5(ARFGEF1):c.2581G>T (p.Asp861Tyr)

Gene: ARFGEF1 (ARF guanine nucleotide exchange factor 1; minus strand). Cytogenetic location: 8q13.2.
Variant type: single nucleotide variant.
Coding change: c.2581G>T on transcript NM_006421.5 (MANE Select); coding-DNA position 2581, G replaced by T.
Protein change: p.Asp861Tyr; replaces aspartic acid 861 with tyrosine.
Molecular consequence: missense variant. On other transcripts: non-coding transcript variant (1).
Genome position (GRCh38, 1-based): chr8:67,253,568, C>A on the plus strand (G>T on the coding strand, the complement: ARFGEF1 is on the minus strand). VCF-style: chr8-67253568-C-A. GRCh37 (hg19) VCF-style: chr8-68165803-C-A.
Other names: c.2581G>T, p.Asp861Tyr (NM_001413184.1, NM_001413185.1, NM_001413186.1 and 7 more transcripts); c.1981G>T, p.Asp661Tyr (NM_001413188.1, NM_001413193.1, NM_001413197.1); c.1156G>T, p.Asp386Tyr (NM_001413196.1); short protein forms D386Y, D661Y, D861Y.
Identifiers: ClinVar variation 3343435 (VCV003343435.1).
Genomic context (GRCh38, chr8:67,253,568, plus strand): 5'-TTTTCCCAGCTATTTCATTATAGATGGCTGATAGATACTCTTCAGGAAGGTCTTTACTGT[C>A]ATTGATACCTCTATTCATCTTAATGTATTGTTCCTTTGTCATTTTATTTTTCACCTAGAT-3'
Protein context (NP_006412.2, residues 851-871): QYIKMNRGIN[Asp861Tyr]SKDLPEEYLS